The following is an entry in ClinVar:

ClinVar aggregate classification (germline): Pathogenic (1 of 4 stars; one submission).

gnomAD v4.1: 35 of 1,614,076 alleles (0.0022%); highest among the groups gnomAD compares: Non-Finnish European, 0.0029%; no homozygotes.

Submission:

Labcorp Genetics (formerly Invitae), Labcorp
Classification: Pathogenic. Last evaluated: 2024-08-30. Review status: criteria provided, single submitter. Criteria: Invitae Variant Classification Sherloc (09022015). Collection method: clinical testing. Allele origin: germline.
Comment: This sequence change creates a premature translational stop signal (p.Trp4334*) in the DNAH9 gene. It is expected to result in an absent or disrupted protein product. Loss-of-function variants in DNAH9 are known to be pathogenic (PMID: 30471718). This variant is present in population databases (no rsID available, gnomAD 0.007%). This variant has not been reported in the literature in individuals affected with DNAH9-related conditions. For these reasons, this variant has been classified as Pathogenic.

Literature cited by the submitters: PubMed 30471718.

NM_001372.4(DNAH9):c.13001G>A (p.Trp4334Ter)

Gene: DNAH9 (dynein axonemal heavy chain 9; plus strand). Cytogenetic location: 17p12.
Variant type: single nucleotide variant.
Coding change: c.13001G>A on transcript NM_001372.4 (MANE Select); coding-DNA position 13001, G replaced by A.
Protein change: p.Trp4334Ter; replaces tryptophan 4334 with a stop codon.
Molecular consequence: nonsense.
Genome position (GRCh38, 1-based): chr17:11,962,024, G>A. VCF-style: chr17-11962024-G-A. GRCh37 (hg19) VCF-style: chr17-11865341-G-A.
Other names: c.1937G>A, p.Trp646Ter (NM_004662.2); short protein forms W4334*, W646*.
Identifiers: ClinVar variation 3604977 (VCV003604977.2).